The following is an entry in ClinVar:

ClinVar aggregate classification (germline): Uncertain significance (1 of 4 stars; one submission).

Conditions:
Inborn genetic diseases. Identifiers: MedGen C0950123, MeSH D030342.

Submission:

Ambry Genetics
Classification: Uncertain significance for Inborn genetic diseases. Last evaluated: 2026-06-28. Review status: criteria provided, single submitter. Criteria: Ambry Variant Classification Scheme 2023. Collection method: clinical testing. Allele origin: germline.
Comment: The p.N950I variant (also known as c.2849A>T), located in coding exon 14 of the FANCM gene, results from an A to T substitution at nucleotide position 2849. The asparagine at codon 950 is replaced by isoleucine, an amino acid with dissimilar properties. This amino acid position is conserved. In addition, this alteration is predicted to be tolerated by in silico analysis. Based on the available evidence, the clinical significance of this variant remains unclear.

NM_020937.4(FANCM):c.2849A>T (p.Asn950Ile)

Gene: FANCM (FA complementation group M; plus strand). Cytogenetic location: 14q21.2.
Variant type: single nucleotide variant.
Coding change: c.2849A>T on transcript NM_020937.4 (MANE Select); coding-DNA position 2849, A replaced by T.
Protein change: p.Asn950Ile; replaces asparagine 950 with isoleucine.
Molecular consequence: missense variant.
Genome position (GRCh38, 1-based): chr14:45,175,603, A>T. VCF-style: chr14-45175603-A-T. GRCh37 (hg19) VCF-style: chr14-45644806-A-T.
Other names: c.2771A>T, p.Asn924Ile (NM_001308133.2); short protein forms N950I, N924I.
Identifiers: ClinVar variation 5036590 (VCV005036590.1).
Genomic context (GRCh38, chr14:45,175,603, plus strand): 5'-CAAATAAATCCACTAGTTCACTTGCTGGAAATGTTTTAGATTCTGGTTATAACAGTTTCA[A>T]TGATGAAAAATCTGTTTCATCTAACTTATTTCTTCCATTCGAAGAAGAGCTTTATATTGT-3'
Protein context (NP_065988.1, residues 940-960): NVLDSGYNSF[Asn950Ile]DEKSVSSNLF